The following is an entry in ClinVar:

NM_001290693.1(BECN2):c.814T>C (p.Leu272=)

Gene: BECN2 (beclin 2; plus strand). Cytogenetic location: 1q43.
Variant type: single nucleotide variant.
Coding change: c.814T>C on transcript NM_001290693.1 (MANE Select); coding-DNA position 814, T replaced by C.
Protein change: p.Leu272=; no amino-acid change (leucine 272 retained).
Molecular consequence: synonymous variant.
Genome position (GRCh38, 1-based): chr1:241,958,580, T>C. VCF-style: chr1-241958580-T-C. GRCh37 (hg19) VCF-style: chr1-242121882-T-C.
Identifiers: ClinVar variation 2640210 (VCV002640210.24), dbSNP rs191909829, ClinGen allele CA40419791.

ClinVar aggregate classification (germline): Likely benign (1 of 4 stars; one submission).

Allele frequency attached by ClinVar (database versions not stated): 1000 Genomes Project 0.00040; 1000 Genomes Project 30x 0.00047; gnomAD exomes 0.00140; TOPMed 0.00143; gnomAD 0.00229.

Submission:

CeGaT Center for Human Genetics Tuebingen
Classification: Likely benign. Last evaluated: 2022-10-01. Review status: criteria provided, single submitter. Criteria: CeGaT Center For Human Genetics Tuebingen Variant Classification Criteria Version 2. Collection method: clinical testing. Allele origin: germline. Affected: yes. Observed: 1 variant allele.
Comment: BECN2: BP4, BP7